The following is an entry in ClinVar:

NM_015192.4(PLCB1):c.991C>T (p.His331Tyr)

Gene: PLCB1 (phospholipase C beta 1; plus strand). Cytogenetic location: 20p12.3.
Variant type: single nucleotide variant.
Coding change: c.991C>T on transcript NM_015192.4 (MANE Select); coding-DNA position 991, C replaced by T.
Protein change: p.His331Tyr; replaces histidine 331 with tyrosine.
Molecular consequence: missense variant.
Genome position (GRCh38, 1-based): chr20:8,685,060, C>T. VCF-style: chr20-8685060-C-T. GRCh37 (hg19) VCF-style: chr20-8665707-C-T.
Other names: c.991C>T, p.His331Tyr (NM_182734.3); short protein forms H331Y.
Identifiers: ClinVar variation 4685251 (VCV004685251.1).
Genomic context (GRCh38, chr20:8,685,060, plus strand): 5'-AAACTGGATTTGAATGAAGACATGTCTCAGCCCCTTTCTCACTATTTCATTAATTCCTCG[C>T]ACAACACCTACCTCACAGGTATGAATTTTCTAGTTCTTTGTTACTTTAGCCAGTCTCACC-3'
Protein context (NP_056007.1, residues 321-341): PLSHYFINSS[His331Tyr]NTYLTAGQLA

ClinVar aggregate classification (germline): Uncertain significance (1 of 4 stars; one submission).

Submission:

GeneDx
Classification: Uncertain significance. Last evaluated: 2025-07-10. Review status: criteria provided, single submitter. Criteria: GeneDx Variant Classification Process June 2021. Collection method: clinical testing. Allele origin: germline. Affected: yes.
Comment: Not observed at significant frequency in large population cohorts (gnomAD); In silico analysis supports that this missense variant has a deleterious effect on protein structure/function; Has not been previously published as pathogenic or benign to our knowledge